The following is an entry in ClinVar:

NM_000126.4(ETFA):c.880A>G (p.Lys294Glu)

Gene: ETFA (electron transfer flavoprotein subunit alpha; minus strand). Cytogenetic location: 15q24.2.
Variant type: single nucleotide variant.
Coding change: c.880A>G on transcript NM_000126.4 (MANE Select); coding-DNA position 880, A replaced by G.
Protein change: p.Lys294Glu; replaces lysine 294 with glutamic acid.
Molecular consequence: missense variant.
Genome position (GRCh38, 1-based): chr15:76,231,335, T>C on the plus strand (A>G on the coding strand, the complement: ETFA is on the minus strand). VCF-style: chr15-76231335-T-C. GRCh37 (hg19) VCF-style: chr15-76523676-T-C.
Other names: c.733A>G, p.Lys245Glu (NM_001127716.2); short protein forms K245E, K294E.
Identifiers: ClinVar variation 4720704 (VCV004720704.1).

ClinVar aggregate classification (germline): Uncertain significance (1 of 4 stars; one submission).

Conditions:
Multiple acyl-CoA dehydrogenase deficiency (MADD). Also called: Glutaric acidemia type II; GA 2; ETHYLMALONIC-ADIPICACIDURIA; GA II; Glutaric Acidemia type 2; Glutaric aciduria, type 2. Identifiers: Orphanet 26791, MedGen C0268596, MONDO:0009282, OMIM 231680.

gnomAD v4.1: 1 of 1,591,204 alleles (0.000063%); highest among the groups gnomAD compares: Admixed American, 0.0017%; no homozygotes.

Submission:

Labcorp Genetics (formerly Invitae), Labcorp
Classification: Uncertain significance for Multiple acyl-CoA dehydrogenase deficiency. Last evaluated: 2025-07-09. Review status: criteria provided, single submitter. Criteria: Invitae Variant Classification Sherloc (09022015). Collection method: clinical testing. Allele origin: germline.
Comment: This sequence change replaces lysine, which is basic and polar, with glutamic acid, which is acidic and polar, at codon 294 of the ETFA protein (p.Lys294Glu). This variant is present in population databases (rs774043017, gnomAD 0.003%). This variant has not been reported in the literature in individuals affected with ETFA-related conditions. An algorithm developed to predict the effect of missense changes on protein structure and function (PolyPhen-2) suggests that this variant is likely to be disruptive. In summary, the available evidence is currently insufficient to determine the role of this variant in disease. Therefore, it has been classified as a Variant of Uncertain Significance.